The following is an entry in ClinVar:

ClinVar aggregate classification (germline): Likely benign. Review status: criteria provided, multiple submitters, no conflicts (2 of 4 stars). 3 submissions from 3 submitters: Likely benign (3). Last evaluated 2026-01-12.

Conditions:
TTN-related disorder. Also called: TTN-related condition; TTN-related disease; TTN-related disorders.
Dilated cardiomyopathy 1G (CMD1G). Identifiers: Orphanet 154, MedGen C1858763, MONDO:0011400, OMIM 604145.
Autosomal recessive limb-girdle muscular dystrophy type 2J (LGMDR10). Also called: MUSCULAR DYSTROPHY, LIMB-GIRDLE, AUTOSOMAL RECESSIVE 10; Limb-girdle muscular dystrophy, type 2J. Identifiers: Orphanet 140922, MedGen C1837342, MONDO:0012127, OMIM 608807.

Allele frequency attached by ClinVar (database versions not stated): gnomAD exomes 0.00002 and 0.00003; gnomAD 0.00003; TOPMed 0.00005.
gnomAD v4.1: 50 of 1,583,080 alleles (0.0032%); highest among the groups gnomAD compares: Non-Finnish European, 0.004%; no homozygotes.

Submissions (3):

Labcorp Genetics (formerly Invitae), Labcorp
Classification: Likely benign for Dilated cardiomyopathy 1G; Autosomal recessive limb-girdle muscular dystrophy type 2J. Last evaluated: 2026-01-12. Review status: criteria provided, single submitter. Criteria: Invitae Variant Classification Sherloc (09022015). Collection method: clinical testing. Allele origin: germline.

PreventionGenetics, part of Exact Sciences
Classification: Likely benign for TTN-related condition. Last evaluated: 2025-11-05. Review status: criteria provided, single submitter. Criteria: ACMG Guidelines, 2015. Collection method: clinical testing. Allele origin: germline.
Comment: This variant is classified as likely benign based on ACMG/AMP sequence variant interpretation guidelines (Richards et al. 2015 PMID: 25741868, with internal and published modifications).

Blueprint Genetics
Classification: Likely benign. Last evaluated: 2024-11-21. Review status: criteria provided, single submitter. Criteria: ACMG Guidelines, 2015. Collection method: clinical testing. Allele origin: germline.

NM_001267550.2(TTN):c.57848-9T>C

Genes: TTN (titin; minus strand), TTN-AS1 (TTN antisense RNA 1; plus strand). Cytogenetic location: 2q31.2.
Variant type: single nucleotide variant.
Coding change: c.57848-9T>C on transcript NM_001267550.2 (MANE Select); 9 bases into the intron before coding-DNA position 57848, T replaced by C.
Molecular consequence: intron variant.
Genome position (GRCh38, 1-based): chr2:178,594,655, A>G on the plus strand (T>C on the coding strand, the complement: TTN is on the minus strand). VCF-style: chr2-178594655-A-G. GRCh37 (hg19) VCF-style: chr2-179459382-A-G.
Other names: c.30653-9T>C (NM_003319.4); c.31229-9T>C (NM_133437.4); c.31028-9T>C (NM_133432.3); c.50144-9T>C (NM_133378.4); c.52925-9T>C (NM_001256850.1).
Identifiers: ClinVar variation 535554 (VCV000535554.14), dbSNP rs1404639698, ClinGen allele CA538435639.